The following is an entry in ClinVar:

ClinVar aggregate classification (germline): Uncertain significance (1 of 4 stars; one submission).

Submission:

Labcorp Genetics (formerly Invitae), Labcorp
Classification: Uncertain significance. Last evaluated: 2024-05-06. Review status: criteria provided, single submitter. Criteria: Invitae Variant Classification Sherloc (09022015). Collection method: clinical testing. Allele origin: germline.
Comment: This sequence change replaces arginine, which is basic and polar, with cysteine, which is neutral and slightly polar, at codon 683 of the COMP protein (p.Arg683Cys). This variant is not present in population databases (gnomAD no frequency). This variant has not been reported in the literature in individuals affected with COMP-related conditions. ClinVar contains an entry for this variant (Variation ID: 1901875). Advanced modeling of protein sequence and biophysical properties (such as structural, functional, and spatial information, amino acid conservation, physicochemical variation, residue mobility, and thermodynamic stability) performed at Invitae indicates that this missense variant is expected to disrupt COMP protein function with a positive predictive value of 80%. In summary, the available evidence is currently insufficient to determine the role of this variant in disease. Therefore, it has been classified as a Variant of Uncertain Significance.

NM_000095.3(COMP):c.2047C>T (p.Arg683Cys)

Gene: COMP (cartilage oligomeric matrix protein; minus strand). Cytogenetic location: 19p13.11.
Variant type: single nucleotide variant.
Coding change: c.2047C>T on transcript NM_000095.3 (MANE Select); coding-DNA position 2047, C replaced by T.
Protein change: p.Arg683Cys; replaces arginine 683 with cysteine.
Molecular consequence: missense variant.
Genome position (GRCh38, 1-based): chr19:18,784,231, G>A on the plus strand (C>T on the coding strand, the complement: COMP is on the minus strand). VCF-style: chr19-18784231-G-A. GRCh37 (hg19) VCF-style: chr19-18895041-G-A.
Other names: short protein forms R683C.
Identifiers: ClinVar variation 1901875 (VCV001901875.5), dbSNP rs2055148198, ClinGen allele CA404876507.